The following is an entry in ClinVar:

ClinVar aggregate classification (germline): Uncertain significance (1 of 4 stars; one submission).

Allele frequency attached by ClinVar (database versions not stated): ExAC 0.00001; gnomAD exomes 0.00001.
gnomAD v4.1: 9 of 1,604,330 alleles (0.00056%); highest among the groups gnomAD compares: Non-Finnish European, 0.00077%; no homozygotes.

Submission:

Labcorp Genetics (formerly Invitae), Labcorp
Classification: Uncertain significance. Last evaluated: 2021-08-14. Review status: criteria provided, single submitter. Criteria: Invitae Variant Classification Sherloc (09022015). Collection method: clinical testing. Allele origin: germline.
Comment: In summary, the available evidence is currently insufficient to determine the role of this variant in disease. Therefore, it has been classified as a Variant of Uncertain Significance. Algorithms developed to predict the effect of missense changes on protein structure and function (SIFT, PolyPhen-2, Align-GVGD) all suggest that this variant is likely to be disruptive, but these predictions have not been confirmed by published functional studies and their clinical significance is uncertain. This variant has not been reported in the literature in individuals with ASPM-related conditions. This variant is present in population databases (rs771693058, ExAC 0.002%). This sequence change replaces aspartic acid with valine at codon 715 of the ASPM protein (p.Asp715Val). The aspartic acid residue is highly conserved and there is a large physicochemical difference between aspartic acid and valine.

NM_018136.5(ASPM):c.2144A>T (p.Asp715Val)

Gene: ASPM (assembly factor for spindle microtubules; minus strand). Cytogenetic location: 1q31.3.
Variant type: single nucleotide variant.
Coding change: c.2144A>T on transcript NM_018136.5 (MANE Select); coding-DNA position 2144, A replaced by T.
Protein change: p.Asp715Val; replaces aspartic acid 715 with valine.
Molecular consequence: missense variant.
Genome position (GRCh38, 1-based): chr1:197,135,125, T>A on the plus strand (A>T on the coding strand, the complement: ASPM is on the minus strand). VCF-style: chr1-197135125-T-A. GRCh37 (hg19) VCF-style: chr1-197104255-T-A.
Other names: c.2144A>T, p.Asp715Val (NM_001206846.2); short protein forms D715V.
Identifiers: ClinVar variation 1491662 (VCV001491662.8), dbSNP rs771693058, ClinGen allele CA1310548.